The following is an entry in ClinVar:

ClinVar aggregate classification (germline): Uncertain significance. Review status: criteria provided, multiple submitters, no conflicts (2 of 4 stars). 2 submissions from 2 submitters: Uncertain significance (2). Last evaluated 2023-02-16.

Conditions:
Hypertrophic cardiomyopathy. Also called: HYPERTROPHIC MYOCARDIOPATHY. Identifiers: Orphanet 217569, MedGen C0007194, MeSH D002312, MONDO:0005045, HP:0001639.

Allele frequency attached by ClinVar (database versions not stated): gnomAD exomes below 0.00001; TOPMed below 0.00001.
gnomAD v4.1: 3 of 1,145,320 alleles (0.00026%); highest among the groups gnomAD compares: Non-Finnish European, 0.00032%; no homozygotes.

Submissions (2):

Labcorp Genetics (formerly Invitae), Labcorp
Classification: Uncertain significance. Last evaluated: 2023-02-16. Review status: criteria provided, single submitter. Criteria: Invitae Variant Classification Sherloc (09022015). Collection method: clinical testing. Allele origin: germline.
Comment: This sequence change replaces proline, which is neutral and non-polar, with leucine, which is neutral and non-polar, at codon 98 of the CTF1 protein (p.Pro98Leu). The frequency data for this variant in the population databases is considered unreliable, as metrics indicate insufficient coverage at this position in the gnomAD database. This variant has not been reported in the literature in individuals affected with CTF1-related conditions. ClinVar contains an entry for this variant (Variation ID: 575497). An algorithm developed to predict the effect of missense changes on protein structure and function (PolyPhen-2) suggests that this variant is likely to be tolerated. In summary, the available evidence is currently insufficient to determine the role of this variant in disease. Therefore, it has been classified as a Variant of Uncertain Significance.

Agnes Ginges Centre for Molecular Cardiology, Centenary Institute
Classification: Uncertain significance for Hypertrophic cardiomyopathy. Last evaluated: 2018-10-12. Review status: criteria provided, single submitter. Criteria: ACMG Guidelines, 2015. Collection method: research. Allele origin: germline. Inheritance: Autosomal dominant inheritance. Affected: yes.
Comment: The CTF1 Pro98Leu is absent from the Genome Aggregation Database. Computational tools SIFT, PolyPhen-2 and MutationTaster predict this variant to have a deleterious effect. In summary, there is not enough evidence to classify this variant as either pathogenic or a polymorphism, therefore we classify CTF1 Pro98Leu as a variant of "uncertain significance".

NM_001330.5(CTF1):c.293C>T (p.Pro98Leu)

Genes: CTF1 (cardiotrophin 1; plus strand), LOC130058878 (ATAC-STARR-seq lymphoblastoid silent region 7400; plus strand). Cytogenetic location: 16p11.2.
Variant type: single nucleotide variant.
Coding change: c.293C>T on transcript NM_001330.5 (MANE Select); coding-DNA position 293, C replaced by T.
Protein change: p.Pro98Leu; replaces proline 98 with leucine.
Molecular consequence: missense variant. On other transcripts: non-coding transcript variant (1).
Genome position (GRCh38, 1-based): chr16:30,902,226, C>T. VCF-style: chr16-30902226-C-T. GRCh37 (hg19) VCF-style: chr16-30913547-C-T.
Other names: c.290C>T, p.Pro97Leu (NM_001142544.3); short protein forms P98L, P97L.
Identifiers: ClinVar variation 575497 (VCV000575497.11), dbSNP rs1567331279, ClinGen allele CA395618733.
Genomic context (GRCh38, chr16:30,902,226, plus strand): 5'-ACGCGGGGCTGCCAGTGCACGAGCGGCTGCGGCTGGACGCGGCGGCGCTGGCCGCGCTGC[C>T]CCCGCTGCTGGACGCAGTGTGTCGCCGCCAGGCCGAGCTGAACCCGCGCGCGCCGCGCCT-3'
Protein context (NP_001321.1, residues 88-108): RLDAAALAAL[Pro98Leu]PLLDAVCRRQ